The following is an entry in ClinVar:

ClinVar aggregate classification (germline): Uncertain significance. Review status: criteria provided, multiple submitters, no conflicts (2 of 4 stars). 3 submissions from 3 submitters: Uncertain significance (3). Last evaluated 2025-10-30.

Conditions:
Cardiovascular phenotype. Identifiers: MedGen CN230736.
Hereditary cancer-predisposing syndrome. Also called: Neoplastic Syndromes, Hereditary; Tumor predisposition; Hereditary Cancer Syndrome; Hereditary neoplastic syndrome. Identifiers: Orphanet 140162, MedGen C0027672, MeSH D009386, MONDO:0015356.

Submissions (3):

Labcorp Genetics (formerly Invitae), Labcorp
Classification: Uncertain significance. Last evaluated: 2025-10-30. Review status: criteria provided, single submitter. Criteria: Invitae Variant Classification Sherloc (09022015). Collection method: clinical testing. Allele origin: germline.
Comment: This sequence change replaces glutamic acid, which is acidic and polar, with glutamine, which is neutral and polar, at codon 584 of the LZTR1 protein (p.Glu584Gln). This variant is not present in population databases (gnomAD no frequency). This variant has not been reported in the literature in individuals affected with LZTR1-related conditions. ClinVar contains an entry for this variant (Variation ID: 1779392). Invitae Evidence Modeling of protein sequence and biophysical properties (such as structural, functional, and spatial information, amino acid conservation, physicochemical variation, residue mobility, and thermodynamic stability) indicates that this missense variant is not expected to disrupt LZTR1 protein function with a negative predictive value of 80%. In summary, the available evidence is currently insufficient to determine the role of this variant in disease. Therefore, it has been classified as a Variant of Uncertain Significance.

Ambry Genetics
Classification: Uncertain significance for Cardiovascular phenotype; Hereditary cancer-predisposing syndrome. Last evaluated: 2024-09-24. Review status: criteria provided, single submitter. Criteria: Ambry Variant Classification Scheme 2023. Collection method: clinical testing. Allele origin: germline.
Comment: The p.E584Q variant (also known as c.1750G>C), located in coding exon 15 of the LZTR1 gene, results from a G to C substitution at nucleotide position 1750. The glutamic acid at codon 584 is replaced by glutamine, an amino acid with highly similar properties. This amino acid position is conserved. In addition, the in silico prediction for this alteration is inconclusive. Since supporting evidence is limited at this time, the clinical significance of this alteration remains unclear.

GeneDx
Classification: Uncertain significance. Last evaluated: 2023-01-03. Review status: criteria provided, single submitter. Criteria: GeneDx Variant Classification Process June 2021. Collection method: clinical testing. Allele origin: germline. Affected: yes.
Comment: Not observed at significant frequency in large population cohorts (gnomAD); In silico analysis supports that this missense variant does not alter protein structure/function; Has not been previously published as pathogenic or benign to our knowledge

NM_006767.4(LZTR1):c.1750G>C (p.Glu584Gln)

Gene: LZTR1 (leucine zipper like post translational regulator 1; plus strand). Cytogenetic location: 22q11.21.
Variant type: single nucleotide variant.
Coding change: c.1750G>C on transcript NM_006767.4 (MANE Select); coding-DNA position 1750, G replaced by C.
Protein change: p.Glu584Gln; replaces glutamic acid 584 with glutamine.
Molecular consequence: missense variant.
Genome position (GRCh38, 1-based): chr22:20,994,692, G>C. VCF-style: chr22-20994692-G-C. GRCh37 (hg19) VCF-style: chr22-21348981-G-C.
Other names: short protein forms E584Q.
Identifiers: ClinVar variation 1779392 (VCV001779392.9), dbSNP rs369697241, ClinGen allele CA410778217.
Genomic context (GRCh38, chr22:20,994,692, plus strand): 5'-CAGCTGTGCCGCCAGTACATCGAGGCCTCCGTGGACCTGCAGAACGTGCTGGTTGTGTGC[G>C]AGAGTGCCGCCCGGCTGCAGCTGAGCCAACTCAAGGTGTGGGGTGGGGTCAGCGCAATCA-3'
Protein context (NP_006758.2, residues 574-594): VDLQNVLVVC[Glu584Gln]SAARLQLSQL